The following is an entry in ClinVar:

NM_138817.3(SLC7A13):c.201_202insTATCT (p.Ala68fs)

Gene: SLC7A13 (solute carrier family 7 member 13; minus strand). Cytogenetic location: 8q21.3.
Variant type: Insertion.
Coding change: c.201_202insTATCT on transcript NM_138817.3 (MANE Select); coding-DNA positions 201 to 202, TATCT inserted.
Protein change: p.Ala68fs; shifts the reading frame from alanine 68.
Molecular consequence: frameshift variant.
Genome position: GRCh38 VCF-style: chr8-86230076-C-CAGATA. GRCh37 (hg19) VCF-style: chr8-87242305-C-CAGATA.
Other names: short protein forms A68fs.
Identifiers: ClinVar variation 3706675 (VCV003706675.2).

ClinVar aggregate classification (germline): Uncertain significance (1 of 4 stars; one submission).

Submission:

Labcorp Genetics (formerly Invitae), Labcorp
Classification: Uncertain significance. Last evaluated: 2024-09-23. Review status: criteria provided, single submitter. Criteria: Invitae Variant Classification Sherloc (09022015). Collection method: clinical testing. Allele origin: germline.
Comment: This sequence change creates a premature translational stop signal (p.Ala68Tyrfs*5) in the SLC7A13 gene. It is expected to result in an absent or disrupted protein product. However, the current clinical and genetic evidence is not sufficient to establish whether loss-of-function variants in SLC7A13 cause disease. This variant is not present in population databases (gnomAD no frequency). This variant has not been reported in the literature in individuals affected with SLC7A13-related conditions. In summary, the available evidence is currently insufficient to determine the role of this variant in disease. Therefore, it has been classified as a Variant of Uncertain Significance.